The following is an entry in ClinVar:

NM_004655.4(AXIN2):c.1921A>G (p.Lys641Glu)

Gene: AXIN2 (axin 2; minus strand). Cytogenetic location: 17q24.1.
Variant type: single nucleotide variant.
Coding change: c.1921A>G on transcript NM_004655.4 (MANE Select); coding-DNA position 1921, A replaced by G.
Protein change: p.Lys641Glu; replaces lysine 641 with glutamic acid.
Molecular consequence: missense variant.
Genome position (GRCh38, 1-based): chr17:65,536,540, T>C on the plus strand (A>G on the coding strand, the complement: AXIN2 is on the minus strand). VCF-style: chr17-65536540-T-C. GRCh37 (hg19) VCF-style: chr17-63532658-T-C.
Other names: c.1726A>G, p.Lys576Glu (NM_001363813.1); short protein forms K641E, K576E.
Identifiers: ClinVar variation 1372941 (VCV001372941.8), dbSNP rs2144444165, ClinGen allele CA400676331.

ClinVar aggregate classification (germline): Uncertain significance (1 of 4 stars; one submission).

Conditions:
Oligodontia-cancer predisposition syndrome. Also called: TOOTH AGENESIS-COLORECTAL CANCER SYNDROME. Identifiers: Orphanet 300576, MedGen C1837750, MONDO:0012075, OMIM 608615. Disease mechanism: loss of function.

Submission:

Labcorp Genetics (formerly Invitae), Labcorp
Classification: Uncertain significance for Oligodontia-cancer predisposition syndrome. Last evaluated: 2021-02-16. Review status: criteria provided, single submitter. Criteria: Invitae Variant Classification Sherloc (09022015). Collection method: clinical testing. Allele origin: germline.
Comment: In summary, the available evidence is currently insufficient to determine the role of this variant in disease. Therefore, it has been classified as a Variant of Uncertain Significance. Algorithms developed to predict the effect of missense changes on protein structure and function are either unavailable or do not agree on the potential impact of this missense change (SIFT: "Tolerated"; PolyPhen-2: "Possibly Damaging"; Align-GVGD: "Class C0"). This variant has not been reported in the literature in individuals with AXIN2-related conditions. This variant is not present in population databases (ExAC no frequency). This sequence change replaces lysine with glutamic acid at codon 641 of the AXIN2 protein (p.Lys641Glu). The lysine residue is moderately conserved and there is a small physicochemical difference between lysine and glutamic acid.